The following is an entry in ClinVar:

ClinVar aggregate classification (germline): Uncertain significance. Review status: criteria provided, multiple submitters, no conflicts (2 of 4 stars). 2 submissions from 2 submitters: Uncertain significance (2). Last evaluated 2025-06-27.

Conditions:
Cardiovascular phenotype. Identifiers: MedGen CN230736.
Hereditary cancer-predisposing syndrome. Also called: Hereditary Cancer Syndrome; Hereditary neoplastic syndrome; Neoplastic Syndromes, Hereditary; Tumor predisposition. Identifiers: Orphanet 140162, MedGen C0027672, MeSH D009386, MONDO:0015356.
Neurofibromatosis, type 1 (NF1). Also called: NEUROFIBROMATOSIS, TYPE I, SOMATIC; Peripheral type neurofibromatosis; VON RECKLINGHAUSEN DISEASE; Neurofibromatosis, type I. Identifiers: Orphanet 636, MedGen C0027831, MONDO:0018975, OMIM 162200. Disease mechanism: loss of function.

Submissions (2):

Ambry Genetics
Classification: Uncertain significance for Cardiovascular phenotype; Hereditary cancer-predisposing syndrome. Last evaluated: 2025-06-27. Review status: criteria provided, single submitter. Criteria: Ambry Variant Classification Scheme 2023. Collection method: clinical testing. Allele origin: germline.
Comment: The p.K1508E variant (also known as c.4522A>G), located in coding exon 34 of the NF1 gene, results from an A to G substitution at nucleotide position 4522. The lysine at codon 1508 is replaced by glutamic acid, an amino acid with similar properties. This amino acid position is conserved. In addition, this alteration is predicted to be deleterious by in silico analysis. Based on the available evidence, the clinical significance of this variant remains unclear.

Labcorp Genetics (formerly Invitae), Labcorp
Classification: Uncertain significance for Neurofibromatosis, type 1. Last evaluated: 2022-11-04. Review status: criteria provided, single submitter. Criteria: Invitae Variant Classification Sherloc (09022015). Collection method: clinical testing. Allele origin: germline.
Comment: This sequence change replaces lysine, which is basic and polar, with glutamic acid, which is acidic and polar, at codon 1508 of the NF1 protein (p.Lys1508Glu). This variant is not present in population databases (gnomAD no frequency). This variant has not been reported in the literature in individuals affected with NF1-related conditions. Advanced modeling of protein sequence and biophysical properties (such as structural, functional, and spatial information, amino acid conservation, physicochemical variation, residue mobility, and thermodynamic stability) performed at Invitae indicates that this missense variant is expected to disrupt NF1 protein function. In summary, the available evidence is currently insufficient to determine the role of this variant in disease. Therefore, it has been classified as a Variant of Uncertain Significance.

NM_001042492.3(NF1):c.4585A>G (p.Lys1529Glu)

Gene: NF1 (neurofibromin 1; plus strand). Cytogenetic location: 17q11.2.
Variant type: single nucleotide variant.
Coding change: c.4585A>G on transcript NM_001042492.3 (MANE Select); coding-DNA position 4585, A replaced by G.
Protein change: p.Lys1529Glu; replaces lysine 1529 with glutamic acid.
Molecular consequence: missense variant.
Genome position (GRCh38, 1-based): chr17:31,261,718, A>G. VCF-style: chr17-31261718-A-G. GRCh37 (hg19) VCF-style: chr17-29588736-A-G.
Other names: c.4522A>G, p.Lys1508Glu (NM_000267.4); short protein forms K1529E, K1508E.
Identifiers: ClinVar variation 2811896 (VCV002811896.4), dbSNP rs2151466200, ClinGen allele CA399000115.